The following is an entry in ClinVar:

NM_000618.5(IGF1):c.*2499T>G

Genes: IGF1 (insulin like growth factor 1; minus strand), LINC02456 (long intergenic non-protein coding RNA 2456; plus strand). Cytogenetic location: 12q23.2.
Variant type: single nucleotide variant.
Coding change: c.*2499T>G on transcript NM_000618.5 (MANE Select); 2499 bases downstream of the stop codon, T replaced by G.
Molecular consequence: 3 prime UTR variant.
Genome position (GRCh38, 1-based): chr12:102,400,008, A>C on the plus strand (T>G on the coding strand, the complement: IGF1 is on the minus strand). VCF-style: chr12-102400008-A-C. GRCh37 (hg19) VCF-style: chr12-102793786-A-C.
Other names: c.*2533T>G (NM_001111283.3); c.*2499T>G (NM_001111284.2).
Identifiers: ClinVar variation 306882 (VCV000306882.5), dbSNP rs6217, ClinGen allele CA10639961.

ClinVar aggregate classification (germline): Benign (1 of 4 stars; one submission).

Conditions:
Growth delay due to insulin-like growth factor type 1 deficiency (IGF1D). Also called: GROWTH RETARDATION WITH SENSORINEURAL DEAFNESS AND MENTAL RETARDATION; IGF1 DEFICIENCY. Identifiers: Orphanet 73272, MedGen C1837475, MONDO:0012110, OMIM 608747.

Allele frequency attached by ClinVar (database versions not stated): gnomAD 0.02065 and 0.02520; TOPMed 0.02636; 1000 Genomes Project 30x 0.07839; 1000 Genomes Project 0.08267.

Submission:

Illumina Laboratory Services, Illumina
Classification: Benign for Growth delay due to insulin-like growth factor type 1 deficiency. Last evaluated: 2018-01-13. Review status: criteria provided, single submitter. Criteria: ICSL Variant Classification Criteria 13 December 2019. Collection method: clinical testing. Allele origin: germline.
Comment: This variant was observed in the ICSL laboratory as part of a predisposition screen in an ostensibly healthy population. It had not been previously curated by ICSL or reported in the Human Gene Mutation Database (HGMD: prior to June 1st, 2018), and was therefore a candidate for classification through an automated scoring system. Utilizing variant allele frequency, disease prevalence and penetrance estimates, and inheritance mode, an automated score was calculated to assess if this variant is too frequent to cause the disease. Based on the score and internal cut-off values, a variant classified as benign is not then subjected to further curation. The score for this variant resulted in a classification of benign for this disease.